The following is an entry in ClinVar:

ClinVar aggregate classification (germline): Uncertain significance (1 of 4 stars; one submission).

Conditions:
Hereditary spastic paraplegia 6 (SPG6). Also called: SPASTIC PARAPLEGIA 6, AUTOSOMAL DOMINANT. Identifiers: Orphanet 100988, MedGen C1838192, MONDO:0010878, OMIM 600363.

Submission:

Labcorp Genetics (formerly Invitae), Labcorp
Classification: Uncertain significance for Spastic paraplegia 6. Last evaluated: 2018-11-30. Review status: criteria provided, single submitter. Criteria: Invitae Variant Classification Sherloc (09022015). Collection method: clinical testing. Allele origin: germline.
Comment: A gross deletion of the genomic region encompassing the full coding sequence of the NIPA1 gene has been identified. The boundaries of this event are unknown as the deletion extends beyond the assayed region for this gene and therefore may encompass additional genes. Isolated whole-gene deletions of NIPA1 have not been reported in the literature. However, larger copy number events that include this gene have been reported (PMID:Â¬â€ 25689425). The current clinical and genetic evidence is not sufficient to establish whether loss-of-function variants in NIPA1 cause disease. In summary, the available evidence is currently insufficient to determine the role of this variant in disease. Therefore, it has been classified as a Variant of Uncertain Significance.

NC_000015.10:g.(?_22786647)_(22824249_?)del

Genes: NIPA1 (NIPA magnesium transporter 1; plus strand), LOC130056713 (ATAC-STARR-seq lymphoblastoid active region 9155; plus strand), LOC130056712 (ATAC-STARR-seq lymphoblastoid active region 9154; plus strand), LOC130056711 (ATAC-STARR-seq lymphoblastoid silent region 6261; plus strand), LOC130056710 (ATAC-STARR-seq lymphoblastoid silent region 6260; plus strand) and 1 more. Cytogenetic location: 15q11.2.
Variant type: Deletion.
Identifiers: ClinVar variation 650698 (VCV000650698.1).